The following is an entry in ClinVar:

ClinVar aggregate classification (germline): Likely benign. Review status: criteria provided, multiple submitters, no conflicts (2 of 4 stars). 2 submissions from 2 submitters: Likely benign (2). Last evaluated 2024-05-02.

Allele frequency attached by ClinVar (database versions not stated): gnomAD exomes below 0.00001 and 0.00001; TOPMed below 0.00001.

Submissions (2):

Labcorp Genetics (formerly Invitae), Labcorp
Classification: Likely benign. Last evaluated: 2024-05-02. Review status: criteria provided, single submitter. Criteria: Invitae Variant Classification Sherloc (09022015). Collection method: clinical testing. Allele origin: germline.

GeneDx
Classification: Likely benign. Last evaluated: 2016-08-25. Review status: criteria provided, single submitter. Criteria: GeneDx Variant Classification (06012015). Collection method: clinical testing. Allele origin: germline. Affected: yes.
Comment: This variant is considered likely benign or benign based on one or more of the following criteria: it is a conservative change, it occurs at a poorly conserved position in the protein, it is predicted to be benign by multiple in silico algorithms, and/or has population frequency not consistent with disease.

NM_032620.4(GTPBP3):c.444C>T (p.Phe148=)

Gene: GTPBP3 (GTP binding protein 3, mitochondrial; plus strand). Cytogenetic location: 19p13.11.
Variant type: single nucleotide variant.
Coding change: c.444C>T on transcript NM_032620.4 (MANE Select); coding-DNA position 444, C replaced by T.
Protein change: p.Phe148=; no amino-acid change (phenylalanine 148 retained).
Molecular consequence: synonymous variant.
Genome position (GRCh38, 1-based): chr19:17,338,594, C>T. VCF-style: chr19-17338594-C-T. GRCh37 (hg19) VCF-style: chr19-17449403-C-T.
Other names: c.444C>T, p.Phe148= (NM_001128855.3, NM_133644.4); c.510C>T, p.Phe170= (NM_001195422.1).
Identifiers: ClinVar variation 388647 (VCV000388647.8), dbSNP rs745687275, ClinGen allele CA16607761.